The following is an entry in ClinVar:

NM_000540.3(RYR1):c.9625C>A (p.Gln3209Lys)

Gene: RYR1 (ryanodine receptor 1; plus strand). Cytogenetic location: 19q13.2.
Variant type: single nucleotide variant.
Coding change: c.9625C>A on transcript NM_000540.3 (MANE Select); coding-DNA position 9625, C replaced by A.
Protein change: p.Gln3209Lys; replaces glutamine 3209 with lysine.
Molecular consequence: missense variant.
Genome position (GRCh38, 1-based): chr19:38,516,157, C>A. VCF-style: chr19-38516157-C-A. GRCh37 (hg19) VCF-style: chr19-39006797-C-A.
Other names: c.9625C>A, p.Gln3209Lys (NM_001042723.2); short protein forms Q3209K.
Identifiers: ClinVar variation 4682000 (VCV004682000.5).
Genomic context (GRCh38, chr19:38,516,157, plus strand): 5'-GCCCTCGGGGAGTGCCTGGCCCGTCTGGCAGCAGCCATGCCGGTGGCGTTCCTGGAGCCG[C>A]AGCTGAACGAGTACAACGCCTGCTCCGTGTACACCACCAAGTCTCCGCGGGAGCGGGCCA-3'
Protein context (NP_000531.2, residues 3199-3219): AAMPVAFLEP[Gln3209Lys]LNEYNACSVY

ClinVar aggregate classification (germline): Uncertain significance (1 of 4 stars; one submission).

gnomAD v4.1: 1 of 1,557,990 alleles (0.000064%); highest among the groups gnomAD compares: Non-Finnish European, 0.000087%; no homozygotes.

Submission:

CeGaT Center for Human Genetics Tuebingen
Classification: Uncertain significance. Last evaluated: 2025-12-01. Review status: criteria provided, single submitter. Criteria: CeGaT Center For Human Genetics Tuebingen Variant Classification Criteria Version 2. Collection method: clinical testing. Allele origin: germline. Affected: yes. Observed: 1 variant allele.
Comment: RYR1: PM2, BP4